The following is an entry in ClinVar:

ClinVar aggregate classification (germline): Benign/Likely benign. Review status: criteria provided, multiple submitters, no conflicts (2 of 4 stars). 3 submissions from 3 submitters: Benign (2); Likely benign (1). Last evaluated 2025-07-24.

Conditions:
Hemolytic anemia due to pyrimidine 5' nucleotidase deficiency (CNSHA8). Also called: HEMOLYTIC ANEMIA DUE TO P5N DEFICIENCY; HEMOLYTIC ANEMIA DUE TO UMPH1 DEFICIENCY; P5N DEFICIENCY; PYRIMIDINE 5-PRIME NUCLEOTIDASE DEFICIENCY, HEMOLYTIC ANEMIA DUE TO; UMPH1 DEFICIENCY. Identifiers: Orphanet 35120, MedGen C1849507, MONDO:0009946, OMIM 266120.

Allele frequency attached by ClinVar (database versions not stated): gnomAD 0.01509 and 0.01571; gnomAD exomes 0.01999 and 0.01588; 1000 Genomes Project 0.00978; TOPMed 0.01383; ESP Exome Variant Server 0.01531; ExAC 0.02150; 1000 Genomes Project 30x 0.00953.
gnomAD v4.1: 31,260 of 1,608,756 alleles (1.9%); highest among the groups gnomAD compares: Non-Finnish European, 2.2%; 391 homozygotes.

Submissions (3):

ARUP Laboratories, Molecular Genetics and Genomics, ARUP Laboratories
Classification: Benign for Hemolytic anemia due to pyrimidine 5' nucleotidase deficiency. Last evaluated: 2025-07-24. Review status: criteria provided, single submitter. Criteria: ARUP Molecular Germline Variant Investigation Process 2024. Collection method: clinical testing. Allele origin: germline.

Mayo Clinic Laboratories, Mayo Clinic
Classification: Benign. Last evaluated: 2022-05-16. Review status: criteria provided, single submitter. Criteria: ACMG Guidelines, 2015. Collection method: clinical testing. Allele origin: germline. Observed: 68 variant alleles.
Comment: BS1, BS2

Breakthrough Genomics
Classification: Likely benign. Review status: criteria provided, single submitter. Criteria: ACMG Guidelines, 2015. Collection method: not provided. Allele origin: germline. Inheritance: Autosomal recessive inheritance. Affected: yes.

NM_001002010.5(NT5C3A):c.91T>C (p.Phe31Leu)

Gene: NT5C3A (5'-nucleotidase, cytosolic IIIA; minus strand). Cytogenetic location: 7p14.3.
Variant type: single nucleotide variant.
Coding change: c.91T>C on transcript NM_001002010.5 (MANE Select); coding-DNA position 91, T replaced by C.
Protein change: p.Phe31Leu; replaces phenylalanine 31 with leucine.
Molecular consequence: missense variant. On other transcripts: 5 prime UTR variant (3).
Genome position (GRCh38, 1-based): chr7:33,062,615, A>G on the plus strand (T>C on the coding strand, the complement: NT5C3A is on the minus strand). VCF-style: chr7-33062615-A-G. GRCh37 (hg19) VCF-style: chr7-33102227-A-G.
Other names: p.Phe31Leu; c.-67T>C (NM_001002009.3, NM_001374339.1); c.91T>C, p.Phe31Leu (NM_001374335.1, NM_001374338.1); c.-184T>C (NM_001374336.1); c.91T>C (NM_001002010.4); short protein forms F31L.
Identifiers: ClinVar variation 1330659 (VCV001330659.16), dbSNP rs72555707, ClinGen allele CA4213612.
Genomic context (GRCh38, chr7:33,062,615, plus strand): 5'-CCTCCACACTCACCATCTCGATGATCTTGGTCTTCCGCCCCGTCTTCCTCTTCAAGGTGA[A>G]TATGTACTGAGCCAGCACCACCCCCGCCACCAGGGCGCACACGCTGGCGCTCGCTACCGC-3'
Protein context (NP_001002010.2, residues 21-41): VAGVVLAQYI[Phe31Leu]TLKRKTGRKT